The following is an entry in ClinVar:

NM_000088.4(COL1A1):c.4291A>G (p.Thr1431Ala)

Gene: COL1A1 (collagen type I alpha 1 chain; minus strand). Cytogenetic location: 17q21.33.
Variant type: single nucleotide variant.
Coding change: c.4291A>G on transcript NM_000088.4 (MANE Select); coding-DNA position 4291, A replaced by G.
Protein change: p.Thr1431Ala; replaces threonine 1431 with alanine.
Molecular consequence: missense variant.
Genome position (GRCh38, 1-based): chr17:50,185,606, T>C on the plus strand (A>G on the coding strand, the complement: COL1A1 is on the minus strand). VCF-style: chr17-50185606-T-C. GRCh37 (hg19) VCF-style: chr17-48262967-T-C.
Other names: short protein forms T1431A.
Identifiers: ClinVar variation 4800878 (VCV004800878.1).

ClinVar aggregate classification (germline): Uncertain significance (1 of 4 stars; one submission).

Conditions:
Osteogenesis imperfecta type I (OI1). Also called: OI, TYPE I; OSTEOGENESIS IMPERFECTA TARDA; OSTEOGENESIS IMPERFECTA WITH BLUE SCLERAE; Lobstein's Disease; Osteogenesis imperfecta type 1; Classic Non-deforming Osteogenesis Imperfecta with Blue Sclerae. Identifiers: Orphanet 216796, Orphanet 666, MedGen C0023931, MONDO:0008146, OMIM 166200. Disease mechanism: loss of function.

gnomAD v4.1: 1 of 1,613,828 alleles (0.000062%); highest among the groups gnomAD compares: Non-Finnish European, 0.000085%; no homozygotes.

Submission:

Labcorp Genetics (formerly Invitae), Labcorp
Classification: Uncertain significance for Osteogenesis imperfecta type I. Last evaluated: 2025-10-26. Review status: criteria provided, single submitter. Criteria: Invitae Variant Classification Sherloc (09022015). Collection method: clinical testing. Allele origin: germline.
Comment: This sequence change replaces threonine, which is neutral and polar, with alanine, which is neutral and non-polar, at codon 1431 of the COL1A1 protein (p.Thr1431Ala). This variant is not present in population databases (gnomAD no frequency). This variant has not been reported in the literature in individuals affected with COL1A1-related conditions. Invitae Evidence Modeling of protein sequence and biophysical properties (such as structural, functional, and spatial information, amino acid conservation, physicochemical variation, residue mobility, and thermodynamic stability) has been performed for this missense variant. However, the output from this modeling did not meet the statistical confidence thresholds required to predict the impact of this variant on COL1A1 protein function. This variant disrupts the p.Thr1431 amino acid residue in COL1A1. Other variant(s) that disrupt this residue have been determined to be pathogenic (PMID: 21884818, 25146735, 26177859). This suggests that this residue is clinically significant, and that variants that disrupt this residue are likely to be disease-causing. In summary, the available evidence is currently insufficient to determine the role of this variant in disease. Therefore, it has been classified as a Variant of Uncertain Significance.

Literature cited by the submitters: PubMed 21884818; PubMed 25146735; PubMed 26177859.